The following is an entry in ClinVar:

NM_001374736.1(DST):c.2950C>T (p.Arg984Trp)

Gene: DST (dystonin; minus strand). Cytogenetic location: 6p12.1.
Variant type: single nucleotide variant.
Coding change: c.2950C>T on transcript NM_001374736.1 (MANE Select); coding-DNA position 2950, C replaced by T.
Protein change: p.Arg984Trp; replaces arginine 984 with tryptophan.
Molecular consequence: missense variant.
Genome position (GRCh38, 1-based): chr6:56,639,273, G>A on the plus strand (C>T on the coding strand, the complement: DST is on the minus strand). VCF-style: chr6-56639273-G-A. GRCh37 (hg19) VCF-style: chr6-56504071-G-A.
Other names: c.2851C>T, p.Arg951Trp (NM_001144769.5); c.2437C>T, p.Arg813Trp (NM_001144770.2); c.2950C>T, p.Arg984Trp (NM_001374722.1); c.2317C>T, p.Arg773Trp (NM_001374729.1, NM_001374730.1, NM_001386100.1 and 1 more transcripts); c.2977C>T, p.Arg993Trp (NM_001374734.1); c.1339C>T, p.Arg447Trp (NM_001723.7, NM_015548.5); short protein forms R447W, R773W, R813W, R951W, R984W, R993W.
Identifiers: ClinVar variation 357610 (VCV000357610.15), dbSNP rs138162782, ClinGen allele CA3871293.

ClinVar aggregate classification (germline): Uncertain significance. Review status: criteria provided, multiple submitters, no conflicts (2 of 4 stars). 3 submissions from 3 submitters: Uncertain significance (3). Last evaluated 2026-10-09.

Conditions:
Hereditary sensory and autonomic neuropathy type 6. Also called: HSAN VI; Neuropathy, hereditary sensory and autonomic, type VI. Identifiers: Orphanet 314381, MedGen C3539003, MONDO:0013839, OMIM 614653.
Epidermolysis bullosa simplex 3, localized or generalized intermediate, with BP230 deficiency (EBS3). Also called: Epidermolysis bullosa simplex due to BP230 deficiency; Epidermolysis bullosa simplex, autosomal recessive 2. Identifiers: Orphanet 412181, MedGen C3809470, MONDO:0014180, OMIM 615425.
Inborn genetic diseases. Identifiers: MedGen C0950123, MeSH D030342.

Allele frequency attached by ClinVar (database versions not stated): 1000 Genomes Project 0.00040; gnomAD exomes 0.00020; TOPMed 0.00011; ExAC 0.00022; gnomAD 0.00015; 1000 Genomes Project 30x 0.00031; ESP Exome Variant Server 0.00038.
gnomAD v4.1: 327 of 1,613,022 alleles (0.02%); highest among the groups gnomAD compares: Non-Finnish European, 0.023%; no homozygotes.

Submissions (3):

GeneDx
Classification: Uncertain significance. Last evaluated: 2026-10-09. Review status: criteria provided, single submitter. Criteria: GeneDx Variant Classification Process June 2021. Collection method: clinical testing. Allele origin: germline.
Comment: In silico analysis supports that this missense variant has a deleterious effect on protein structure/function; Has not been previously published as pathogenic or benign to our knowledge; Reported using the transcript encoding the epithelial isoform of the gene

Labcorp Genetics (formerly Invitae), Labcorp
Classification: Uncertain significance for Epidermolysis bullosa simplex 3, localized or generalized intermediate, with BP230 deficiency; Hereditary sensory and autonomic neuropathy type 6. Last evaluated: 2026-01-26. Review status: criteria provided, single submitter. Criteria: Invitae Variant Classification Sherloc (09022015). Collection method: clinical testing. Allele origin: germline.
Comment: This sequence change replaces arginine, which is basic and polar, with tryptophan, which is neutral and slightly polar, at codon 447 of the DST protein (p.Arg447Trp). This variant is present in population databases (rs138162782, gnomAD 0.08%). This variant has not been reported in the literature in individuals affected with DST-related conditions. ClinVar contains an entry for this variant (Variation ID: 357610). An algorithm developed to predict the effect of missense changes on protein structure and function (PolyPhen-2) suggests that this variant is likely to be disruptive. In summary, the available evidence is currently insufficient to determine the role of this variant in disease. Therefore, it has been classified as a Variant of Uncertain Significance.

Ambry Genetics
Classification: Uncertain significance for Inborn genetic diseases. Last evaluated: 2021-09-27. Review status: criteria provided, single submitter. Criteria: Ambry Variant Classification Scheme 2023. Collection method: clinical testing. Allele origin: germline.
Comment: The p.R951W variant (also known as c.2851C>T), located in coding exon 21 of the DST gene, results from a C to T substitution at nucleotide position 2851. The arginine at codon 951 is replaced by tryptophan, an amino acid with dissimilar properties. This amino acid position is well conserved in available vertebrate species. In addition, this alteration is predicted to be deleterious by in silico analysis. Since supporting evidence is limited at this time, the clinical significance of this alteration remains unclear.